The following is an entry in ClinVar:

ClinVar aggregate classification (germline): Benign/Likely benign. Review status: criteria provided, multiple submitters, no conflicts (2 of 4 stars). 10 submissions from 10 submitters: Benign (4); Likely benign (5). 1 of the submissions does not count toward it. Last evaluated 2026-01-20.

Conditions:
TBX5-related disorder. Also called: TBX5-related condition.
Cardiovascular phenotype. Identifiers: MedGen CN230736.
Aortic valve disease 2 (AOVD2). Identifiers: MedGen C3542024, MONDO:0013902, OMIM 614823.
Holt-Oram syndrome (HOS). Also called: TBX5-Related Holt-Oram Syndrome; Ventriculo-radial syndrome; Cardiac-limb syndrome; Heart-hand syndrome, type 1. Identifiers: Orphanet 392, MedGen C0265264, MONDO:0007732, OMIM 142900.

Allele frequency attached by ClinVar (database versions not stated): 1000 Genomes Project 30x 0.00016; 1000 Genomes Project 0.00020; gnomAD exomes 0.00070 and 0.00099; TOPMed 0.00071; ESP Exome Variant Server 0.00077; gnomAD 0.00080 and 0.00086; ExAC 0.00096.

Submissions (10):

Labcorp Genetics (formerly Invitae), Labcorp
Classification: Benign for Aortic valve disease 2. Last evaluated: 2026-01-20. Review status: criteria provided, single submitter. Criteria: Invitae Variant Classification Sherloc (09022015). Collection method: clinical testing. Allele origin: germline.

Molecular Diagnostic Laboratory for Inherited Cardiovascular Disease, Montreal Heart Institute
Classification: Likely benign. Last evaluated: 2025-04-09. Review status: criteria provided, single submitter. Criteria: ACMG Guidelines, 2015. Collection method: clinical testing. Allele origin: germline. Affected: no.
Comment: BS1;BP4;BP6

Blueprint Genetics
Classification: Likely benign. Last evaluated: 2024-11-23. Review status: criteria provided, single submitter. Criteria: ACMG Guidelines, 2015. Collection method: clinical testing. Allele origin: germline.

Fulgent Genetics
Classification: Likely benign for Holt-Oram syndrome. Last evaluated: 2022-04-21. Review status: criteria provided, single submitter. Criteria: ACMG Guidelines, 2015. Collection method: clinical testing. Allele origin: unknown.

CeGaT Center for Human Genetics Tuebingen
Classification: Benign. Last evaluated: 2022-04-01. Review status: criteria provided, single submitter. Criteria: CeGaT Center For Human Genetics Tuebingen Variant Classification Criteria Version 2. Collection method: clinical testing. Allele origin: germline. Affected: yes. Observed: 1 variant allele.
Comment: TBX5: BS1, BS2

Mendelics
Classification: Likely benign for Holt-Oram syndrome. Last evaluated: 2019-05-28. Review status: criteria provided, single submitter. Criteria: Mendelics Assertion Criteria 2017. Collection method: clinical testing. Allele origin: unknown.

Ambry Genetics
Classification: Benign for Cardiovascular phenotype. Last evaluated: 2018-05-16. Review status: criteria provided, single submitter. Criteria: Ambry Variant Classification Scheme 2023. Collection method: clinical testing. Allele origin: germline.

Illumina Laboratory Services, Illumina
Classification: Benign for Holt-Oram syndrome. Last evaluated: 2018-03-06. Review status: criteria provided, single submitter. Criteria: ICSL Variant Classification Criteria 13 December 2019. Collection method: clinical testing. Allele origin: germline.
Comment: This variant was observed in the ICSL laboratory as part of a predisposition screen in an ostensibly healthy population. It had not been previously curated by ICSL or reported in the Human Gene Mutation Database (HGMD: prior to June 1st, 2018), and was therefore a candidate for classification through an automated scoring system. Utilizing variant allele frequency, disease prevalence and penetrance estimates, and inheritance mode, an automated score was calculated to assess if this variant is too frequent to cause the disease. Based on the score and internal cut-off values, a variant classified as benign is not then subjected to further curation. The score for this variant resulted in a classification of benign for this disease.

Center for Pediatric Genomic Medicine, Children's Mercy Hospital and Clinics
Classification: Likely benign. Last evaluated: 2017-06-01. Review status: criteria provided, single submitter. Criteria: ACMG Guidelines, 2015. Collection method: clinical testing. Allele origin: germline.

PreventionGenetics, part of Exact Sciences
Classification: Likely benign for TBX5-related condition. Last evaluated: 2021-04-27. Review status: no assertion criteria provided. Collection method: clinical testing. Allele origin: germline. Not counted in ClinVar's aggregate classification.
Comment: This variant is classified as likely benign based on ACMG/AMP sequence variant interpretation guidelines (Richards et al. 2015 PMID: 25741868, with internal and published modifications).

NM_181486.4(TBX5):c.316A>G (p.Ile106Val)

Gene: TBX5 (T-box transcription factor 5; minus strand). Cytogenetic location: 12q24.21.
Variant type: single nucleotide variant.
Coding change: c.316A>G on transcript NM_181486.4 (MANE Select); coding-DNA position 316, A replaced by G.
Protein change: p.Ile106Val; replaces isoleucine 106 with valine.
Molecular consequence: missense variant.
Genome position (GRCh38, 1-based): chr12:114,399,559, T>C on the plus strand (A>G on the coding strand, the complement: TBX5 is on the minus strand). VCF-style: chr12-114399559-T-C. GRCh37 (hg19) VCF-style: chr12-114837364-T-C.
Other names: c.316A>G, p.Ile106Val (NM_000192.3); c.166A>G, p.Ile56Val (NM_080717.4); short protein forms I106V, I56V.
Identifiers: ClinVar variation 213825 (VCV000213825.49), dbSNP rs147710408, ClinGen allele CA323941.